The following is an entry in ClinVar:

ClinVar aggregate classification (germline): Uncertain significance. Review status: criteria provided, multiple submitters, no conflicts (2 of 4 stars). 2 submissions from 2 submitters: Uncertain significance (2). Last evaluated 2024-09-19.

Conditions:
Schuurs-Hoeijmakers syndrome. Also called: PACS1-Related Neurodevelopmental Disorder. Identifiers: Orphanet 329224, MedGen C3554343, MONDO:0014006, OMIM 615009.

Submissions (2):

Labcorp Genetics (formerly Invitae), Labcorp
Classification: Uncertain significance for Schuurs-Hoeijmakers syndrome. Last evaluated: 2024-09-19. Review status: criteria provided, single submitter. Criteria: Invitae Variant Classification Sherloc (09022015). Collection method: clinical testing. Allele origin: germline.
Comment: This sequence change replaces glutamine, which is neutral and polar, with glutamic acid, which is acidic and polar, at codon 332 of the PACS1 protein (p.Gln332Glu). This variant is not present in population databases (gnomAD no frequency). This variant has not been reported in the literature in individuals affected with PACS1-related conditions. Invitae Evidence Modeling of protein sequence and biophysical properties (such as structural, functional, and spatial information, amino acid conservation, physicochemical variation, residue mobility, and thermodynamic stability) indicates that this missense variant is not expected to disrupt PACS1 protein function with a negative predictive value of 80%. In summary, the available evidence is currently insufficient to determine the role of this variant in disease. Therefore, it has been classified as a Variant of Uncertain Significance.

Blueprint Genetics
Classification: Uncertain significance. Last evaluated: 2023-04-28. Review status: criteria provided, single submitter. Criteria: ACMG Guidelines, 2015. Collection method: clinical testing. Allele origin: germline.

NM_018026.4(PACS1):c.994C>G (p.Gln332Glu)

Gene: PACS1 (phosphofurin acidic cluster sorting protein 1; plus strand). Cytogenetic location: 11q13.2.
Variant type: single nucleotide variant.
Coding change: c.994C>G on transcript NM_018026.4 (MANE Select); coding-DNA position 994, C replaced by G.
Protein change: p.Gln332Glu; replaces glutamine 332 with glutamic acid.
Molecular consequence: missense variant.
Genome position (GRCh38, 1-based): chr11:66,219,761, C>G. VCF-style: chr11-66219761-C-G. GRCh37 (hg19) VCF-style: chr11-65987232-C-G.
Other names: short protein forms Q332E.
Identifiers: ClinVar variation 3686901 (VCV003686901.3).